The following is an entry in ClinVar:

NM_006031.6(PCNT):c.1538A>T (p.Glu513Val)

Gene: PCNT (pericentrin; plus strand). Cytogenetic location: 21q22.3.
Variant type: single nucleotide variant.
Coding change: c.1538A>T on transcript NM_006031.6 (MANE Select); coding-DNA position 1538, A replaced by T.
Protein change: p.Glu513Val; replaces glutamic acid 513 with valine.
Molecular consequence: missense variant.
Genome position (GRCh38, 1-based): chr21:46,353,185, A>T. VCF-style: chr21-46353185-A-T. GRCh37 (hg19) VCF-style: chr21-47773099-A-T.
Other names: c.1184A>T, p.Glu395Val (NM_001315529.2); short protein forms E395V, E513V.
Identifiers: ClinVar variation 1463545 (VCV001463545.3), dbSNP rs2146654182, ClinGen allele CA410560468.

ClinVar aggregate classification (germline): Uncertain significance (1 of 4 stars; one submission).

Allele frequency attached by ClinVar (database versions not stated): gnomAD exomes below 0.00001.
gnomAD v4.1: 1 of 1,614,146 alleles (0.000062%); highest among the groups gnomAD compares: South Asian, 0.0011%; no homozygotes.

Submission:

Labcorp Genetics (formerly Invitae), Labcorp
Classification: Uncertain significance. Last evaluated: 2022-08-09. Review status: criteria provided, single submitter. Criteria: Invitae Variant Classification Sherloc (09022015). Collection method: clinical testing. Allele origin: germline.
Comment: This sequence change replaces glutamic acid, which is acidic and polar, with valine, which is neutral and non-polar, at codon 513 of the PCNT protein (p.Glu513Val). This variant is not present in population databases (gnomAD no frequency). This variant has not been reported in the literature in individuals affected with PCNT-related conditions. ClinVar contains an entry for this variant (Variation ID: 1463545). Algorithms developed to predict the effect of missense changes on protein structure and function (SIFT, PolyPhen-2, Align-GVGD) all suggest that this variant is likely to be disruptive. In summary, the available evidence is currently insufficient to determine the role of this variant in disease. Therefore, it has been classified as a Variant of Uncertain Significance.